The following is an entry in ClinVar:

NM_017739.4(POMGNT1):c.1895+2T>C

Genes: TSPAN1 (tetraspanin 1; plus strand), POMGNT1 (protein O-linked mannose N-acetylglucosaminyltransferase 1 (beta 1,2-); minus strand). Cytogenetic location: 1p34.1.
Variant type: single nucleotide variant.
Coding change: c.1895+2T>C on transcript NM_017739.4 (MANE Select); the canonical splice donor site of the intron after coding-DNA position 1895, T replaced by C.
Molecular consequence: splice donor variant. On other transcripts: intron variant (1).
Genome position (GRCh38, 1-based): chr1:46,189,456, A>G on the plus strand (T>C on the coding strand, the complement: POMGNT1 is on the minus strand). VCF-style: chr1-46189456-A-G. GRCh37 (hg19) VCF-style: chr1-46655128-A-G.
Other names: c.1869+28T>C (NM_001243766.2); c.1895+2T>C (NM_001438686.1, NM_001438688.1, NM_001437653.1 and 2 more transcripts); c.1829+2T>C (NM_001290129.3, NM_001438691.1, NM_001438692.1); c.1466+2T>C (NM_001290130.2).
Identifiers: ClinVar variation 4815903 (VCV004815903.1).

ClinVar aggregate classification (germline): Pathogenic (1 of 4 stars; one submission).

Conditions:
Muscle eye brain disease (MEB). Also called: Santavuori congenital muscular dystrophy. Identifiers: Orphanet 588, Orphanet 899, MedGen C0457133, MONDO:0018939.

gnomAD v4.1: 1 of 1,613,588 alleles (0.000062%); highest among the groups gnomAD compares: South Asian, 0.0011%; no homozygotes.

Submission:

Natera, Inc.
Classification: Pathogenic for Muscle-eye-brain disease. Last evaluated: 2025-11-04. Review status: criteria provided, single submitter. Criteria: Natera Variant Classification Schema (03/2026). Collection method: clinical testing. Allele origin: germline.
Comment: The c.1895+2T>C variant in POMGNT1 is a canonical splice donor site variant predicted to affect pre-mRNA splicing, which may result in an abnormal transcript and altered protein product. This variant is expected to result in nonsense mediated decay, truncation, or a dysfunctional protein product. This variant is rare in the general population with a frequency below the threshold expected for the associated phenotype(s). Another variant at this same site results in an alteration predicted to cause a similar molecular effect has been observed in individual(s) with the associated phenotype. Given the available evidence, this variant is classified as Pathogenic.